The following is an entry in ClinVar:

NM_000092.5(COL4A4):c.3987_4013del (p.Gln1333_Pro1341del)

Gene: COL4A4 (collagen type IV alpha 4 chain; minus strand). Cytogenetic location: 2q36.3.
Variant type: Deletion.
Coding change: c.3987_4013del on transcript NM_000092.5 (MANE Select); coding-DNA positions 3987 to 4013, 27 bases deleted (CCCGGGACCGCAGGGACCACATGGATT).
Protein change: p.Gln1333_Pro1341del.
Molecular consequence: inframe deletion. On other transcripts: inframe indel (1).
Genome position (GRCh38, 1-based): chr2:227,027,970-227,027,996, AATCCATGTGGTCCCTGCGGTCCCGGG deleted on the plus strand (CCCGGGACCGCAGGGACCACATGGATT on the coding strand, the reverse complement: COL4A4 is on the minus strand); deleting any 27 consecutive bases within chr2:227,027,970-227,028,001 gives the same sequence; the c. name uses the placement nearest the transcript's 3' end. VCF-style (leftmost placement, unchanged base first): chr2-227027969-AAATCCATGTGGTCCCTGCGGTCCCGGG-A. GRCh37 (hg19) VCF-style: chr2-227892685-AAATCCATGTGGTCCCTGCGGTCCCGGG-A.
Other names: c.3987_4013del27 (NM_000092.4).
Identifiers: ClinVar variation 3345824 (VCV003345824.1).

ClinVar aggregate classification (germline): Likely pathogenic (0 of 4 stars; one submission).

Conditions:
COL4A4-related disorder.

Submission:

PreventionGenetics, part of Exact Sciences
Classification: Likely pathogenic for COL4A4-related condition. Last evaluated: 2024-04-06. Review status: no assertion criteria provided. Collection method: clinical testing. Allele origin: germline.
Comment: The COL4A4 c.3987_4013del27 variant is predicted to result in an in-frame deletion (p.Gln1333_Pro1341del). To our knowledge, this variant has not been reported in the literature or in a large population database, indicating this variant is rare. This variant is located in the conserved triple helical domain (residues 65 – 1459) of the COL4A4 protein, where substitutions or deletions of the glycine (Gly) residue are usually pathogenic (Hudson et al. 1993. PubMed ID: 8253711). This in-frame deletion removes three glycine (Gly) residues at codons 1334, 1337 and 1340. This variant is interpreted as likely pathogenic for both autosomal dominant and autosomal recessive COL4A4-related conditions.